The following is an entry in ClinVar:

ClinVar aggregate classification (germline): Uncertain significance. Review status: criteria provided, multiple submitters, no conflicts (2 of 4 stars). 2 submissions from 2 submitters: Uncertain significance (2). Last evaluated 2026-01-11.

Conditions:
Cardiovascular phenotype. Identifiers: MedGen CN230736.
Duchenne muscular dystrophy (DMD). Also called: Duchenne Muscular Dystrophy (DMD); MUSCULAR DYSTROPHY, PSEUDOHYPERTROPHIC PROGRESSIVE, DUCHENNE TYPE. Identifiers: Orphanet 98896, MedGen C0013264, MONDO:0010679, OMIM 310200.

Submissions (2):

Labcorp Genetics (formerly Invitae), Labcorp
Classification: Uncertain significance for Duchenne muscular dystrophy. Last evaluated: 2026-01-11. Review status: criteria provided, single submitter. Criteria: Invitae Variant Classification Sherloc (09022015). Collection method: clinical testing. Allele origin: germline.
Comment: This sequence change replaces alanine, which is neutral and non-polar, with proline, which is neutral and non-polar, at codon 2942 of the DMD protein (p.Ala2942Pro). This variant is not present in population databases (gnomAD no frequency). This variant has not been reported in the literature in individuals affected with DMD-related conditions. ClinVar contains an entry for this variant (Variation ID: 518491). Invitae Evidence Modeling of protein sequence and biophysical properties (such as structural, functional, and spatial information, amino acid conservation, physicochemical variation, residue mobility, and thermodynamic stability) indicates that this missense variant is not expected to disrupt DMD protein function with a negative predictive value of 95%. In summary, the available evidence is currently insufficient to determine the role of this variant in disease. Therefore, it has been classified as a Variant of Uncertain Significance.

Ambry Genetics
Classification: Uncertain significance for Cardiovascular phenotype. Last evaluated: 2015-09-30. Review status: criteria provided, single submitter. Criteria: Ambry Autosomal Dominant and X-Linked criteria (10/2015). Collection method: clinical testing. Allele origin: germline. Observed: 1 variant allele.
Comment: There is insufficient or conflicting evidence for classification of this alteration.

NM_004006.3(DMD):c.8824G>C (p.Ala2942Pro)

Gene: DMD (dystrophin; minus strand). Cytogenetic location: Xp21.2.
Variant type: single nucleotide variant.
Coding change: c.8824G>C on transcript NM_004006.3 (MANE Select); coding-DNA position 8824, G replaced by C.
Protein change: p.Ala2942Pro; replaces alanine 2942 with proline.
Molecular consequence: missense variant.
Genome position (GRCh38, 1-based): chrX:31,478,219, C>G on the plus strand (G>C on the coding strand, the complement: DMD is on the minus strand). VCF-style: chrX-31478219-C-G. GRCh37 (hg19) VCF-style: chrX-31496336-C-G.
Other names: c.8800G>C, p.Ala2934Pro (NM_000109.4); c.8812G>C, p.Ala2938Pro (NM_004009.3); c.8455G>C, p.Ala2819Pro (NM_004010.3); c.4801G>C, p.Ala1601Pro (NM_004011.4); c.4792G>C, p.Ala1598Pro (NM_004012.4); c.1444G>C, p.Ala482Pro (NM_004013.3, NM_004020.4, NM_004021.3 and 2 more transcripts); c.637G>C, p.Ala213Pro (NM_004014.3); short protein forms A2942P, A1601P, A213P, A2938P, A482P, A1598P, A2819P, A2934P.
Identifiers: ClinVar variation 518491 (VCV000518491.11), dbSNP rs755127162, ClinGen allele CA412654071.